The following is an entry in ClinVar:

NM_000186.4(CFH):c.320G>T (p.Gly107Val)

Gene: CFH (complement factor H; plus strand). Cytogenetic location: 1q31.3.
Variant type: single nucleotide variant.
Coding change: c.320G>T on transcript NM_000186.4 (MANE Select); coding-DNA position 320, G replaced by T.
Protein change: p.Gly107Val; replaces glycine 107 with valine.
Molecular consequence: missense variant.
Genome position (GRCh38, 1-based): chr1:196,673,932, G>T. VCF-style: chr1-196673932-G-T. GRCh37 (hg19) VCF-style: chr1-196643062-G-T.
Other names: c.320G>T, p.Gly107Val (NM_001014975.3); short protein forms G107V.
Identifiers: ClinVar variation 3376721 (VCV003376721.2).

ClinVar aggregate classification (germline): Uncertain significance. Review status: criteria provided, multiple submitters, no conflicts (2 of 4 stars). 2 submissions from 2 submitters: Uncertain significance (2). Last evaluated 2025-10-02.

Conditions:
Atypical hemolytic-uremic syndrome. Identifiers: Orphanet 2134, MedGen C2931788, MONDO:0016244.
Basal laminar drusen. Also called: DRUSEN OF BRUCH MEMBRANE; DRUSEN, CUTICULAR; DRUSEN, EARLY ADULT-ONSET, GROUPED. Identifiers: Orphanet 75376, MedGen C0730295, MONDO:0007472, OMIM 126700.
Hemolytic uremic syndrome, atypical, susceptibility to, 1. Also called: AHUS, SUSCEPTIBILITY TO, 1. Identifiers: Orphanet 2134, Orphanet 90038, MedGen C2749604, MONDO:0009335, OMIM 235400. Disease mechanism: Other.

Submissions (2):

Genomenon, Inc
Classification: Uncertain significance for Atypical hemolytic-uremic syndrome; Basal laminar drusen. Last evaluated: 2025-10-02. Review status: criteria provided, single submitter. Criteria: Genomenon Sequence Variant Interpretation Standards - Updated. Collection method: curation. Allele origin: germline. Affected: yes.
Comment: CFH p.Gly107Val (c.320G>T) is a missense variant that changes the amino acid at residue 107 from Glycine to Valine. This variant has been observed in at least one proband affected with a CFH-related disorder (PMID:26915021). It is absent or not present at a significant frequency in gnomAD. In silico models agree that this variant is possibly or probably damaging. In conclusion, we classify CFH p.Gly107Val (c.320G>T) as a variant of uncertain significance.

Victorian Clinical Genetics Services, Murdoch Childrens Research Institute
Classification: Uncertain significance for Hemolytic uremic syndrome, atypical, susceptibility to, 1. Last evaluated: 2023-07-16. Review status: criteria provided, single submitter. Criteria: ACMG Guidelines, 2015. Collection method: clinical testing. Allele origin: germline. Affected: yes.
Comment: Based on the classification scheme VCGS_Germline_v1.3.4, this variant is classified as VUS-3A. Following criteria are met: 0102 - Loss of function is a known mechanism of disease in this gene and is associated with basal laminar drusen (MIM#126700), complement factor H deficiency (MIM#609814) and susceptibility to atypical haemolytic uraemic syndrome 1 (aHUS; MIM#235400). (I) 0108 - This gene is associated with both recessive and dominant disease. It is associated with autosomal dominant basal laminar drusen, autosomal recessive and dominant complement factor H deficiency and is a risk factor for aHUS. There is no clear distinction between missense variants that act in a dominant versus recessive manner, although aHUS is typically autosomal dominant (PMIDs: 24799305, 30930551). (I) 0200 - Variant is predicted to result in a missense amino acid change from glycine to valine. (I) 0251 - This variant is heterozygous. (I) 0301 - Variant is absent from gnomAD (both v2 and v3). (SP) 0501 - Missense variant consistently predicted to be damaging by multiple in silico tools or highly conserved with a major amino acid change. 0600 - Variant is located in the annotated sushi repeat 2 (SCR2) (UniProt). (I) 0705 - No comparable missense variants have previous evidence for pathogenicity. (I) 0809 - Previous evidence of pathogenicity for this variant is inconclusive. (I) 0905 - No published segregation evidence has been identified for this variant. (I) 1007 - No published functional evidence has been identified for this variant. (I) 1208 - Inheritance information for this variant is not currently available in this individual. (I) Legend: (SP) - Supporting pathogenic, (I) - Information, (SB) - Supporting benign

Literature cited by the submitters: PubMed 26915021 (cited by Genomenon, Inc and Victorian Clinical Genetics Services, Murdoch Childrens Research Institute); PubMed 24799305 (cited by Victorian Clinical Genetics Services, Murdoch Childrens Research Institute); PubMed 30930551 (cited by Victorian Clinical Genetics Services, Murdoch Childrens Research Institute).